The following is an entry in ClinVar:

NM_001366385.1(CARD14):c.2140G>A (p.Gly714Ser)

Genes: CARD14 (caspase recruitment domain family member 14; plus strand), SGSH (N-sulfoglucosamine sulfohydrolase; minus strand). Cytogenetic location: 17q25.3.
Variant type: single nucleotide variant.
Coding change: c.2140G>A on transcript NM_001366385.1 (MANE Select); coding-DNA position 2140, G replaced by A.
Protein change: p.Gly714Ser; replaces glycine 714 with serine.
Molecular consequence: missense variant. On other transcripts: non-coding transcript variant (1).
Genome position (GRCh38, 1-based): chr17:80,202,341, G>A. VCF-style: chr17-80202341-G-A. GRCh37 (hg19) VCF-style: chr17-78176140-G-A.
Other names: c.2140G>A, p.Gly714Ser (NM_024110.4, NM_001257970.1); short protein forms G714S.
Identifiers: ClinVar variation 68779 (VCV000068779.16), dbSNP rs151150961, ClinGen allele CA219908.

ClinVar aggregate classification (germline): Benign/Likely benign. Review status: criteria provided, multiple submitters, no conflicts (2 of 4 stars). 6 submissions from 6 submitters: Benign (2); Likely benign (3). 1 of the submissions does not count toward it. Last evaluated 2026-06-01.

Conditions:
Autoinflammatory syndrome. Identifiers: Orphanet 93665, MedGen C3890737, MONDO:0019751.
Pityriasis rubra pilaris (PRP). Also called: Pityriasis rubra pilaris--familial type. Identifiers: Orphanet 2897, MedGen C0032027, MONDO:0100017, OMIM 173200, MONDO:0008251.
Psoriasis 2. Identifiers: MedGen C1864497, MONDO:0011269, OMIM 602723.

Allele frequency attached by ClinVar (database versions not stated): gnomAD exomes 0.00028 and 0.00048; gnomAD 0.00034 and 0.00035; TOPMed 0.00039; ExAC 0.00042; ESP Exome Variant Server 0.00062.
gnomAD v4.1: 486 of 1,613,376 alleles (0.03%); highest among the groups gnomAD compares: Admixed American, 0.042%; 1 homozygote.

Submissions (6):

CeGaT Center for Human Genetics Tuebingen
Classification: Likely benign. Last evaluated: 2026-06-01. Review status: criteria provided, single submitter. Criteria: CeGaT Center For Human Genetics Tuebingen Variant Classification Criteria Version 2. Collection method: clinical testing. Allele origin: germline. Affected: yes. Observed: 1 variant allele.
Comment: CARD14: BP4, BS1

Labcorp Genetics (formerly Invitae), Labcorp
Classification: Benign for Pityriasis rubra pilaris; Psoriasis 2. Last evaluated: 2026-01-22. Review status: criteria provided, single submitter. Criteria: Invitae Variant Classification Sherloc (09022015). Collection method: clinical testing. Allele origin: germline.

Laboratory of Genetics, Children's Clinical University Hospital Latvia
Classification: Benign. Last evaluated: 2025-02-16. Review status: criteria provided, single submitter. Criteria: ACMG Guidelines, 2015. Collection method: clinical testing. Allele origin: germline. Affected: yes.

Blueprint Genetics
Classification: Likely benign. Last evaluated: 2024-11-13. Review status: criteria provided, single submitter. Criteria: ACMG Guidelines, 2015. Collection method: clinical testing. Allele origin: germline.

Genome Diagnostics Laboratory, The Hospital for Sick Children
Classification: Likely benign for Autoinflammatory syndrome. Last evaluated: 2019-10-01. Review status: criteria provided, single submitter. Criteria: ACMG Guidelines, 2015. Collection method: clinical testing. Allele origin: germline. Affected: yes.

UniProtKB/Swiss-Prot
No classification provided. Review status: no classification provided. Collection method: not provided. Allele origin: not provided. Not counted in ClinVar's aggregate classification.